The following is an entry in ClinVar:

ClinVar aggregate classification (germline): Benign (1 of 4 stars; one submission).

Submission:

CeGaT Center for Human Genetics Tuebingen
Classification: Benign. Last evaluated: 2026-08-01. Review status: criteria provided, single submitter. Criteria: CeGaT Center For Human Genetics Tuebingen Variant Classification Criteria Version 2. Collection method: clinical testing. Allele origin: germline. Affected: yes. Observed: 3 variant alleles.
Comment: KCNQ1OT1: BS1, BS2

NM_000218.3(KCNQ1):c.1514+11899GGGGT[3]

Genes: KCNQ1 (potassium voltage-gated channel subfamily Q member 1; plus strand), KCNQ1OT1 (KCNQ1 opposite strand/antisense transcript 1; minus strand). Cytogenetic location: 11p15.5.
Variant type: Microsatellite.
Coding change: c.1514+11899GGGGT[3] on transcript NM_000218.3 (MANE Select); three copies in a row of the 5-base unit GGGGT starting at c.1514+11899.
Molecular consequence: intron variant.
Genome position: GRCh38 VCF-style: chr11-2673979-G-GGGGGT. GRCh37 (hg19) VCF-style: chr11-2695209-G-GGGGGT.
Other names: c.1244+11899GGGGT[3] (NM_001406837.1); c.1418+11899GGGGT[3] (NM_001406836.1); c.974+11899GGGGT[3] (NM_001406838.1); c.1133+11899GGGGT[3] (NM_181798.2).
Identifiers: ClinVar variation 1694622 (VCV001694622.31), dbSNP rs1388067738, ClinGen allele CA597443171.